The following is an entry in ClinVar:

ClinVar aggregate classification (germline): Uncertain significance (1 of 4 stars; one submission).

Conditions:
Long QT syndrome (LQTS). Identifiers: MedGen C0023976, MeSH D008133, MONDO:0002442. Disease mechanism: loss of function. Inheritance: Various modes of inheritance.

Submission:

Labcorp Genetics (formerly Invitae), Labcorp
Classification: Uncertain significance for Long QT syndrome. Last evaluated: 2023-09-24. Review status: criteria provided, single submitter. Criteria: Invitae Variant Classification Sherloc (09022015). Collection method: clinical testing. Allele origin: germline.
Comment: This sequence change replaces alanine, which is neutral and non-polar, with threonine, which is neutral and polar, at codon 1405 of the ANK2 protein (p.Ala1405Thr). This variant is not present in population databases (gnomAD no frequency). This variant has not been reported in the literature in individuals affected with ANK2-related conditions. Advanced modeling of protein sequence and biophysical properties (such as structural, functional, and spatial information, amino acid conservation, physicochemical variation, residue mobility, and thermodynamic stability) performed at Invitae indicates that this missense variant is expected to disrupt ANK2 protein function. In summary, the available evidence is currently insufficient to determine the role of this variant in disease. Therefore, it has been classified as a Variant of Uncertain Significance.

NM_001148.6(ANK2):c.4213G>A (p.Ala1405Thr)

Gene: ANK2 (ankyrin 2; plus strand). Cytogenetic location: 4q26.
Variant type: single nucleotide variant.
Coding change: c.4213G>A on transcript NM_001148.6 (MANE Select); coding-DNA position 4213, G replaced by A.
Protein change: p.Ala1405Thr; replaces alanine 1405 with threonine.
Molecular consequence: missense variant.
Genome position (GRCh38, 1-based): chr4:113,343,107, G>A. VCF-style: chr4-113343107-G-A. GRCh37 (hg19) VCF-style: chr4-114264263-G-A.
Other names: c.3913G>A, p.Ala1305Thr (NM_001354273.2); c.4012G>A, p.Ala1338Thr (NM_001354274.2, NM_001386142.1, NM_001386154.1); c.4051G>A, p.Ala1351Thr (NM_001354275.2, NM_001354245.2, NM_001354262.2); c.4027G>A, p.Ala1343Thr (NM_001354276.2, NM_001386146.1, NM_001386149.1 and 6 more transcripts); c.3829G>A, p.Ala1277Thr (NM_001354277.2, NM_001386157.1); c.1741G>A, p.Ala581Thr (NM_001354278.2, NM_001354281.2); c.1777G>A, p.Ala593Thr (NM_001354279.2, NM_001354282.2); c.1762G>A, p.Ala588Thr (NM_001354280.2); and 31 more; short protein forms A1305T, A1318T, A1338T, A1351T, A1358T, A1371T, A1383T, A1388T.
Identifiers: ClinVar variation 2763047 (VCV002763047.3), dbSNP rs2153983566, ClinGen allele CA357911433.